The following is an entry in ClinVar:

ClinVar aggregate classification (germline): Uncertain significance (1 of 4 stars; one submission).

Conditions:
Primary ciliary dyskinesia. Also called: Ciliary dyskinesia. Identifiers: Orphanet 244, MedGen C0008780, MONDO:0016575, HP:0012265.

Allele frequency attached by ClinVar (database versions not stated): ExAC 0.00002; TOPMed 0.00005; ESP Exome Variant Server 0.00008.

Submission:

Ambry Genetics
Classification: Uncertain significance for Primary ciliary dyskinesia. Last evaluated: 2022-11-04. Review status: criteria provided, single submitter. Criteria: Ambry Variant Classification Scheme 2023. Collection method: clinical testing. Allele origin: germline.
Comment: The p.P256A variant (also known as c.766C>G), located in coding exon 6 of the DNAAF1 gene, results from a C to G substitution at nucleotide position 766. The proline at codon 256 is replaced by alanine, an amino acid with highly similar properties. This amino acid position is conserved. In addition, this alteration is predicted to be tolerated by in silico analysis. Since supporting evidence is limited at this time, the clinical significance of this alteration remains unclear.

NM_178452.6(DNAAF1):c.766C>G (p.Pro256Ala)

Gene: DNAAF1 (dynein axonemal assembly factor 1; plus strand). Cytogenetic location: 16q24.1.
Variant type: single nucleotide variant.
Coding change: c.766C>G on transcript NM_178452.6 (MANE Select); coding-DNA position 766, C replaced by G.
Protein change: p.Pro256Ala; replaces proline 256 with alanine.
Molecular consequence: missense variant.
Genome position (GRCh38, 1-based): chr16:84,159,699, C>G. VCF-style: chr16-84159699-C-G. GRCh37 (hg19) VCF-style: chr16-84193304-C-G.
Other names: c.10C>G, p.Pro4Ala (NM_001318756.1); short protein forms P256A, P4A.
Identifiers: ClinVar variation 2449178 (VCV002449178.2), dbSNP rs377443247, ClinGen allele CA8202622.